The following is an entry in ClinVar:

NM_004380.3(CREBBP):c.5879G>C (p.Arg1960Pro)

Gene: CREBBP (CREB binding lysine acetyltransferase; minus strand). Cytogenetic location: 16p13.3.
Variant type: single nucleotide variant.
Coding change: c.5879G>C on transcript NM_004380.3 (MANE Select); coding-DNA position 5879, G replaced by C.
Protein change: p.Arg1960Pro; replaces arginine 1960 with proline.
Molecular consequence: missense variant.
Genome position (GRCh38, 1-based): chr16:3,729,168, C>G on the plus strand (G>C on the coding strand, the complement: CREBBP is on the minus strand). VCF-style: chr16-3729168-C-G. GRCh37 (hg19) VCF-style: chr16-3779169-C-G.
Other names: c.5765G>C, p.Arg1922Pro (NM_001079846.1); short protein forms R1922P, R1960P.
Identifiers: ClinVar variation 4869406 (VCV004869406.2).

ClinVar aggregate classification (germline): Uncertain significance. Review status: criteria provided, multiple submitters, no conflicts (2 of 4 stars). 2 submissions from 2 submitters: Uncertain significance (2). Last evaluated 2026-03-23.

Conditions:
Inborn genetic diseases. Identifiers: MedGen C0950123, MeSH D030342.

gnomAD v4.1: 2 of 1,535,796 alleles (0.00013%); no homozygotes.

Submissions (2):

Ambry Genetics
Classification: Uncertain significance for Inborn genetic diseases. Last evaluated: 2026-03-23. Review status: criteria provided, single submitter. Criteria: Ambry Variant Classification Scheme 2023. Collection method: clinical testing. Allele origin: germline.
Comment: The c.5879G>C (p.R1960P) alteration is located in exon 31 (coding exon 31) of the CREBBP gene. This alteration results from a G to C substitution at nucleotide position 5879, causing the arginine (R) at amino acid position 1960 to be replaced by a proline (P). Based on data from gnomAD, the C allele has an overall frequency of 0.001% (1/140854) total alleles studied. The highest observed frequency was 0.002% (1/56060) of European (non-Finnish) alleles. Based on insufficient or conflicting evidence, the clinical significance of this alteration remains unclear.

Blueprint Genetics
Classification: Uncertain significance. Last evaluated: 2024-04-17. Review status: criteria provided, single submitter. Criteria: ACMG Guidelines, 2015. Collection method: clinical testing. Allele origin: germline.